The following is an entry in ClinVar:

ClinVar aggregate classification (germline): Likely benign. Review status: criteria provided, multiple submitters, no conflicts (2 of 4 stars). 3 submissions from 3 submitters: Likely benign (3). Last evaluated 2025-05-19.

Conditions:
Breast-ovarian cancer, familial, susceptibility to, 4. Identifiers: Orphanet 145, MedGen C3280345, MONDO:0013669, OMIM 614291.
Hereditary cancer-predisposing syndrome. Also called: Hereditary neoplastic syndrome; Tumor predisposition; Hereditary Cancer Syndrome; Neoplastic Syndromes, Hereditary. Identifiers: Orphanet 140162, MedGen C0027672, MeSH D009386, MONDO:0015356.

Allele frequency attached by ClinVar (database versions not stated): gnomAD exomes below 0.00001; ExAC 0.00002.
gnomAD v4.1: 7 of 1,605,004 alleles (0.00044%); highest among the groups gnomAD compares: South Asian, 0.0067%; no homozygotes.

Submissions (3):

Labcorp Genetics (formerly Invitae), Labcorp
Classification: Likely benign for Breast-ovarian cancer, familial, susceptibility to, 4. Last evaluated: 2025-05-19. Review status: criteria provided, single submitter. Criteria: Invitae Variant Classification Sherloc (09022015). Collection method: clinical testing. Allele origin: germline.

GeneDx
Classification: Likely benign. Last evaluated: 2017-08-17. Review status: criteria provided, single submitter. Criteria: GeneDx Variant Classification (06012015). Collection method: clinical testing. Allele origin: germline. Affected: yes.
Comment: This variant is considered likely benign or benign based on one or more of the following criteria: it is a conservative change, it occurs at a poorly conserved position in the protein, it is predicted to be benign by multiple in silico algorithms, and/or has population frequency not consistent with disease.

Color Diagnostics, LLC DBA Color Health
Classification: Likely benign for Hereditary cancer-predisposing syndrome. Last evaluated: 2017-03-07. Review status: criteria provided, single submitter. Criteria: ACMG Guidelines, 2015. Collection method: clinical testing. Allele origin: germline.

NM_002878.4(RAD51D):c.738+11A>G

Genes: RAD51L3-RFFL (RAD51L3-RFFL readthrough; minus strand), RAD51D (RAD51 paralog D; minus strand). Cytogenetic location: 17q12.
Variant type: single nucleotide variant.
Coding change: c.738+11A>G on transcript NM_002878.4 (MANE Select); 11 bases into the intron after coding-DNA position 738, A replaced by G.
Molecular consequence: intron variant.
Genome position (GRCh38, 1-based): chr17:35,103,243, T>C on the plus strand (A>G on the coding strand, the complement: RAD51D is on the minus strand). VCF-style: chr17-35103243-T-C. GRCh37 (hg19) VCF-style: chr17-33430262-T-C.
Other names: c.402+11A>G (NM_133629.3); c.798+11A>G (NM_001142571.2).
Identifiers: ClinVar variation 492441 (VCV000492441.11), dbSNP rs758241019, ClinGen allele CA8499370.